The following is an entry in ClinVar:

NM_152709.5(STOX1):c.748A>G (p.Met250Val)

Gene: STOX1 (storkhead box 1; plus strand). Cytogenetic location: 10q22.1.
Variant type: single nucleotide variant.
Coding change: c.748A>G on transcript NM_152709.5 (MANE Select); coding-DNA position 748, A replaced by G.
Protein change: p.Met250Val; replaces methionine 250 with valine.
Molecular consequence: missense variant. On other transcripts: intron variant (2).
Genome position (GRCh38, 1-based): chr10:68,884,544, A>G. VCF-style: chr10-68884544-A-G. GRCh37 (hg19) VCF-style: chr10-70644300-A-G.
Other names: c.748A>G, p.Met250Val (NM_001130161.4); c.663+85A>G (NM_001130159.3); c.463+2434A>G (NM_001130160.3); c.748A>G (NM_152709.4); short protein forms M250V.
Identifiers: ClinVar variation 1049382 (VCV001049382.4), dbSNP rs746173209, ClinGen allele CA5528041.

ClinVar aggregate classification (germline): Likely benign. Review status: criteria provided, single submitter (1 of 4 stars). 2 submissions from 2 submitters: Likely benign (1). 1 of the submissions does not count toward it. Last evaluated 2022-11-30.

Allele frequency attached by ClinVar (database versions not stated): ExAC 0.00002; gnomAD 0.00003; TOPMed 0.00004; gnomAD exomes 0.00005.
gnomAD v4.1: 44 of 1,613,674 alleles (0.0027%); highest among the groups gnomAD compares: Non-Finnish European, 0.0017%; no homozygotes.

Submissions (2):

Ambry Genetics
Classification: Likely benign. Last evaluated: 2022-11-30. Review status: criteria provided, single submitter. Criteria: Ambry Variant Classification Scheme 2023. Collection method: clinical testing. Allele origin: germline.

Department of Pathology and Laboratory Medicine, Sinai Health System
Classification: Uncertain significance. Review status: no assertion criteria provided. Collection method: clinical testing. Allele origin: unknown. Affected: yes. Study: The Canadian Open Genetics Repository (COGR). Not counted in ClinVar's aggregate classification.
Comment: The STOX1 p.Met250Val variant was not identified in the literature nor was it identified in ClinVar or LOVD 3.0. The variant was identified in dbSNP (ID: rs746173209) and in control databases in 13 of 277534 chromosomes at a frequency of 0.00004684 (Genome Aggregation Database March 6, 2019, v2.1.1). The variant was observed in the following populations: Ashkenazi Jewish in 9 of 10228 chromosomes (freq: 0.00088), Other in 2 of 7070 chromosomes (freq: 0.000283) and European (non-Finnish) in 2 of 126024 chromosomes (freq: 0.000016), but was not observed in the African, Latino, East Asian, European (Finnish), or South Asian populations. The p.Met250 residue is not conserved in mammals and computational analyses (PolyPhen-2, SIFT, AlignGVGD, BLOSUM, MutationTaster) do not suggest a high likelihood of impact to the protein; however, this information is not predictive enough to rule out pathogenicity. The variant occurs outside of the splicing consensus sequence and in silico or computational prediction software programs (SpliceSiteFinder, MaxEntScan, NNSPLICE, GeneSplicer) do not predict a difference in splicing. In summary, based on the above information the clinical significance of this variant cannot be determined with certainty at this time. This variant is classified as a variant of uncertain significance.